The following is an entry in ClinVar:

NM_000059.4(BRCA2):c.1333dup (p.Ser445fs)

Gene: BRCA2 (BRCA2 DNA repair associated; plus strand). Cytogenetic location: 13q13.1.
Variant type: Duplication.
Coding change: c.1333dup on transcript NM_000059.4 (MANE Select); coding-DNA position 1333, one base duplicated (T; older notation c.1333dupT).
Protein change: p.Ser445fs; shifts the reading frame from serine 445.
Molecular consequence: frameshift variant.
Genome position (GRCh38, 1-based): chr13:32,332,811, T duplicated; the last of 2 consecutive T bases (chr13:32,332,810-32,332,811); duplicating either gives the same sequence. VCF-style (leftmost placement, unchanged base first): chr13-32332809-A-AT. GRCh37 (hg19) VCF-style: chr13-32906946-A-AT.
Other names: c.1333dupT (NM_000059.3); short protein forms S445fs.
Identifiers: ClinVar variation 409439 (VCV000409439.9), dbSNP rs1555281841, ClinGen allele CA16614226.
Genomic context (GRCh38, chr13:32,332,809, plus strand): 5'-CAGAAAAAGACCTATTAGACACAGAGAACAAAAGAAAGAAAGATTTTCTTACTTCAGAGA[A>AT]TTCTTTGCCACGTATTTCTAGCCTACCAAAATCAGAGAAGCCATTAAATGAGGAAACAGT-3'

ClinVar aggregate classification (germline): Pathogenic. Review status: reviewed by expert panel (3 of 4 stars). 4 submissions from 4 submitters: Pathogenic (1). 3 of the submissions do not count toward it. Last evaluated 2017-12-15.

Conditions:
Breast-ovarian cancer, familial, susceptibility to, 2 (BROVCA2). Also called: BRCA2 Hereditary Breast and Ovarian Cancer. Identifiers: Orphanet 145, MedGen C2675520, MONDO:0012933, OMIM 612555. Disease mechanism: loss of function.
Hereditary breast ovarian cancer syndrome. Also called: Hereditary breast and ovarian cancer syndrome (HBOC); Hereditary breast and ovarian cancer syndrome; Breast and ovarian cancer; BRCA1- and BRCA2-Associated Hereditary Breast and Ovarian Cancer; Hereditary breast and ovarian cancer; Hereditary breast and/or ovarian cancer syndrome. Identifiers: Orphanet 145, MedGen C0677776, MeSH D061325, MONDO:0003582. Disease mechanism: loss of function.
Hereditary cancer-predisposing syndrome. Also called: Neoplastic Syndromes, Hereditary; Hereditary Cancer Syndrome; Tumor predisposition; Hereditary neoplastic syndrome. Identifiers: Orphanet 140162, MedGen C0027672, MeSH D009386, MONDO:0015356.

Submissions (4):

Evidence-based Network for the Interpretation of Germline Mutant Alleles (ENIGMA)
Classification: Pathogenic for Breast-ovarian cancer, familial, susceptibility to, 2. Last evaluated: 2017-12-15. Review status: reviewed by expert panel. Criteria: ENIGMA BRCA1/2 Classification Criteria (2017-06-29). Collection method: curation. Allele origin: germline. Study: ENIGMA.
Comment: Variant allele predicted to encode a truncated non-functional protein.

Ambry Genetics
Classification: Pathogenic for Hereditary cancer-predisposing syndrome. Last evaluated: 2026-07-30. Review status: criteria provided, single submitter. Criteria: Ambry Variant Classification Scheme 2023. Collection method: clinical testing. Allele origin: germline. Not counted in ClinVar's aggregate classification.
Comment: The c.1333dupT pathogenic mutation, located in coding exon 9 of the BRCA2 gene, results from a duplication of T at nucleotide position 1333, causing a translational frameshift with a predicted alternate stop codon (p.S445Ffs*7). This variant is considered to be rare based on population cohorts in the Genome Aggregation Database (gnomAD). This alteration is expected to result in loss of function by premature protein truncation or nonsense-mediated mRNA decay. As such, this alteration is interpreted as a disease-causing mutation.

Labcorp Genetics (formerly Invitae), Labcorp
Classification: Pathogenic for Hereditary breast ovarian cancer syndrome. Last evaluated: 2016-07-12. Review status: criteria provided, single submitter. Criteria: Invitae Variant Classification Sherloc (09022015). Collection method: clinical testing. Allele origin: germline. Not counted in ClinVar's aggregate classification.
Comment: While this particular variant has not been reported in the literature, truncating variants in BRCA2 are known to be pathogenic (PMID: 20104584). For these reasons, this variant has been classified as Pathogenic. This sequence change inserts 1 nucleotide in exon 10 of the BRCA2 mRNA (c.1333dupT), causing a frameshift at codon 445. This creates a premature translational stop signal (p.Ser445Phefs*7) and is expected to result in an absent or disrupted protein product.

Department of Pathology and Laboratory Medicine, Sinai Health System
Classification: Pathogenic for Breast-ovarian cancer, familial, susceptibility to, 2. Review status: no assertion criteria provided. Collection method: clinical testing. Allele origin: unknown. Affected: yes. Study: The Canadian Open Genetics Repository (COGR). Not counted in ClinVar's aggregate classification.
Comment: The p.Ser445PhefsX7 duplication variant was not identified in the literature. It is predicted to cause a frameshift, which alters the protein's amino acid sequence beginning at codon 445 and leads to a premature stop codon 7 codons downstream. This alteration is then predicted to result in a truncated or absent protein and loss of function. Loss of function variants of the BRCA2 gene are an established mechanism of disease for hereditary breast and ovarian cancer. In summary, based on the above information, this variant meets our laboratory's criteria to be classified as pathogenic.

Literature cited by the submitters: PubMed 20104584 (cited by Labcorp Genetics (formerly Invitae), Labcorp).